The following is an entry in ClinVar:

ClinVar aggregate classification (germline): Uncertain significance (1 of 4 stars; one submission).

Allele frequency attached by ClinVar (database versions not stated): ExAC 0.00001; gnomAD 0.00001 and 0.00002; gnomAD exomes 0.00001; TOPMed 0.00001.
gnomAD v4.1: 13 of 1,614,072 alleles (0.00081%); highest among the groups gnomAD compares: South Asian, 0.0088%; no homozygotes.

Submission:

Labcorp Genetics (formerly Invitae), Labcorp
Classification: Uncertain significance. Last evaluated: 2022-02-24. Review status: criteria provided, single submitter. Criteria: Invitae Variant Classification Sherloc (09022015). Collection method: clinical testing. Allele origin: germline.
Comment: In summary, the available evidence is currently insufficient to determine the role of this variant in disease. Therefore, it has been classified as a Variant of Uncertain Significance. Advanced modeling of protein sequence and biophysical properties (such as structural, functional, and spatial information, amino acid conservation, physicochemical variation, residue mobility, and thermodynamic stability) performed at Invitae indicates that this missense variant is not expected to disrupt CPLANE1 protein function. This variant has not been reported in the literature in individuals affected with CPLANE1-related conditions. This variant is present in population databases (rs759257853, gnomAD 0.003%). This sequence change replaces histidine, which is basic and polar, with arginine, which is basic and polar, at codon 2091 of the CPLANE1 protein (p.His2091Arg).

NM_001384732.1(CPLANE1):c.6272A>G (p.His2091Arg)

Gene: CPLANE1 (ciliogenesis and planar polarity effector complex subunit 1; minus strand). Cytogenetic location: 5p13.2.
Variant type: single nucleotide variant.
Coding change: c.6272A>G on transcript NM_001384732.1 (MANE Select); coding-DNA position 6272, A replaced by G.
Protein change: p.His2091Arg; replaces histidine 2091 with arginine.
Molecular consequence: missense variant.
Genome position (GRCh38, 1-based): chr5:37,170,231, T>C on the plus strand (A>G on the coding strand, the complement: CPLANE1 is on the minus strand). VCF-style: chr5-37170231-T-C. GRCh37 (hg19) VCF-style: chr5-37170333-T-C.
Other names: c.6272A>G, p.His2091Arg (NM_023073.4); short protein forms H2091R.
Identifiers: ClinVar variation 1443770 (VCV001443770.8), dbSNP rs759257853, ClinGen allele CA3238293.